The following is an entry in ClinVar:

NM_001276345.2(TNNT2):c.425C>T (p.Ala142Val)

Gene: TNNT2 (troponin T2, cardiac type; minus strand). Cytogenetic location: 1q32.1.
Variant type: single nucleotide variant.
Coding change: c.425C>T on transcript NM_001276345.2 (MANE Select); coding-DNA position 425, C replaced by T.
Protein change: p.Ala142Val; replaces alanine 142 with valine.
Molecular consequence: missense variant.
Genome position (GRCh38, 1-based): chr1:201,364,362, G>A on the plus strand (C>T on the coding strand, the complement: TNNT2 is on the minus strand). VCF-style: chr1-201364362-G-A. GRCh37 (hg19) VCF-style: chr1-201333490-G-A.
Other names: c.425C>T, p.Ala142Val (NM_000364.4, NM_001406723.1); c.395C>T, p.Ala132Val (NM_001001430.3, NM_001001431.3, NM_001276347.2 and 3 more transcripts); c.380C>T, p.Ala127Val (NM_001001432.3, NM_001406728.1); c.305C>T, p.Ala102Val (NM_001276346.2); c.392C>T, p.Ala131Val (NM_001406725.1); short protein forms A127V, A132V, A102V, A131V, A142V.
Identifiers: ClinVar variation 2953536 (VCV002953536.3), dbSNP rs2527000544, ClinGen allele CA344205939.
Genomic context (GRCh38, chr1:201,364,362, plus strand): 5'-AGGCGGTTCTGCCGCTCCTTCTCCCGCTCATTCCGGATGCGCTGCTGCTCGGCCCGCTCT[G>A]CCCGACGTCTCTCCTAAGGAGAAGAGGCAAAGCCCACCCAGGTGTGCATAGGGAGAAGGT-3'
Protein context (NP_001263274.1, residues 132-152): SLKDRIERRR[Ala142Val]ERAEQQRIRN

ClinVar aggregate classification (germline): Uncertain significance (1 of 4 stars; one submission).

Conditions:
Hypertrophic cardiomyopathy 2. Also called: TNNT2-Related Familial Hypertrophic Cardiomyopathy. Identifiers: MedGen C1861864, MONDO:0007266, OMIM 115195.
Dilated cardiomyopathy 1D. Identifiers: Orphanet 154, Orphanet 54260, MedGen C1832243, MONDO:0011095, OMIM 601494.
Cardiomyopathy, familial restrictive, 3. Identifiers: Orphanet 75249, MedGen C2676271, MONDO:0012900, OMIM 612422.

Submission:

Labcorp Genetics (formerly Invitae), Labcorp
Classification: Uncertain significance for Cardiomyopathy, familial restrictive, 3; Hypertrophic cardiomyopathy 2; Dilated cardiomyopathy 1D. Last evaluated: 2023-11-13. Review status: criteria provided, single submitter. Criteria: Invitae Variant Classification Sherloc (09022015). Collection method: clinical testing. Allele origin: germline.
Comment: This sequence change replaces alanine, which is neutral and non-polar, with valine, which is neutral and non-polar, at codon 132 of the TNNT2 protein (p.Ala132Val). This variant is not present in population databases (gnomAD no frequency). This variant has not been reported in the literature in individuals affected with TNNT2-related conditions. Advanced modeling of protein sequence and biophysical properties (such as structural, functional, and spatial information, amino acid conservation, physicochemical variation, residue mobility, and thermodynamic stability) performed at Invitae indicates that this missense variant is expected to disrupt TNNT2 protein function with a positive predictive value of 95%. In summary, the available evidence is currently insufficient to determine the role of this variant in disease. Therefore, it has been classified as a Variant of Uncertain Significance.